The following is an entry in ClinVar:

NM_053025.4(MYLK):c.2429T>C (p.Met810Thr)

Gene: MYLK (myosin light chain kinase; minus strand). Cytogenetic location: 3q21.1.
Variant type: single nucleotide variant.
Coding change: c.2429T>C on transcript NM_053025.4 (MANE Select); coding-DNA position 2429, T replaced by C.
Protein change: p.Met810Thr; replaces methionine 810 with threonine.
Molecular consequence: missense variant.
Genome position (GRCh38, 1-based): chr3:123,701,471, A>G on the plus strand (T>C on the coding strand, the complement: MYLK is on the minus strand). VCF-style: chr3-123701471-A-G. GRCh37 (hg19) VCF-style: chr3-123420318-A-G.
Other names: c.1901T>C, p.Met634Thr (NM_001321309.2); c.2222T>C, p.Met741Thr (NM_053026.4, NM_053028.4); c.2429T>C, p.Met810Thr (NM_053027.4); short protein forms M741T, M810T, M634T.
Identifiers: ClinVar variation 4827353 (VCV004827353.1).

ClinVar aggregate classification (germline): Uncertain significance (1 of 4 stars; one submission).

Conditions:
Familial thoracic aortic aneurysm and aortic dissection (TAAD). Also called: Thoracic aortic aneurysms and dissections. Identifiers: Orphanet 91387, MedGen C4707243, MONDO:0019625.

Submission:

Ambry Genetics
Classification: Uncertain significance for Familial thoracic aortic aneurysm and aortic dissection. Last evaluated: 2026-03-07. Review status: criteria provided, single submitter. Criteria: Ambry Variant Classification Scheme 2023. Collection method: clinical testing. Allele origin: germline.
Comment: The p.M810T variant (also known as c.2429T>C), located in coding exon 14 of the MYLK gene, results from a T to C substitution at nucleotide position 2429. The methionine at codon 810 is replaced by threonine, an amino acid with similar properties. This amino acid position is conserved. In addition, this alteration is predicted to be tolerated by in silico analysis. Based on the available evidence, the clinical significance of this variant remains unclear.